The following is an entry in ClinVar:

NM_006648.4(WNK2):c.6605C>A (p.Pro2202Gln)

Gene: WNK2 (WNK lysine deficient protein kinase 2; plus strand). Cytogenetic location: 9q22.31.
Variant type: single nucleotide variant.
Coding change: c.6605C>A on transcript NM_006648.4 (MANE Select); coding-DNA position 6605, C replaced by A.
Protein change: p.Pro2202Gln; replaces proline 2202 with glutamine.
Molecular consequence: missense variant.
Genome position (GRCh38, 1-based): chr9:93,317,608, C>A. VCF-style: chr9-93317608-C-A. GRCh37 (hg19) VCF-style: chr9-96079890-C-A.
Other names: c.6716C>A, p.Pro2239Gln (NM_001282394.3); short protein forms P2239Q, P2202Q.
Identifiers: ClinVar variation 4842138 (VCV004842138.1).

ClinVar aggregate classification (germline): Uncertain significance (1 of 4 stars; one submission).

gnomAD v4.1: 1 of 1,613,076 alleles (0.000062%); highest among the groups gnomAD compares: Non-Finnish European, 0.000085%; no homozygotes.

Submission:

Ambry Genetics
Classification: Uncertain significance. Last evaluated: 2026-01-12. Review status: criteria provided, single submitter. Criteria: Ambry Variant Classification Scheme 2023. Collection method: clinical testing. Allele origin: germline.
Comment: The p.P2202Q variant (also known as c.6605C>A), located in coding exon 28 of the WNK2 gene, results from a C to A substitution at nucleotide position 6605. The proline at codon 2202 is replaced by glutamine, an amino acid with similar properties. This amino acid position is conserved. In addition, this alteration is predicted to be tolerated by in silico analysis. Based on the available evidence, the clinical significance of this variant remains unclear.